The following is an entry in ClinVar:

NM_000252.3(MTM1):c.1601G>C (p.Trp534Ser)

Gene: MTM1 (myotubularin 1; plus strand). Cytogenetic location: Xq28.
Variant type: single nucleotide variant.
Coding change: c.1601G>C on transcript NM_000252.3 (MANE Select); coding-DNA position 1601, G replaced by C.
Protein change: p.Trp534Ser; replaces tryptophan 534 with serine.
Molecular consequence: missense variant.
Genome position (GRCh38, 1-based): chrX:150,663,566, G>C. VCF-style: chrX-150663566-G-C. GRCh37 (hg19) VCF-style: chrX-149832039-G-C.
Other names: c.1601G>C, p.Trp534Ser (NM_001376906.1, NM_001376908.1); c.1490G>C, p.Trp497Ser (NM_001376907.1); short protein forms W497S, W534S.
Identifiers: ClinVar variation 4532210 (VCV004532210.1).

ClinVar aggregate classification (germline): Likely pathogenic (1 of 4 stars; one submission).

Conditions:
Severe X-linked myotubular myopathy (CNMX). Also called: X-linked centronuclear myopathy; Myotubular myopathy, X-linked; MYOTUBULAR MYOPATHY 1. Identifiers: Orphanet 596, MedGen C0410203, MONDO:0010683, OMIM 310400.

Submission:

MVZ Medizinische Genetik Mainz
Classification: Likely pathogenic for Severe X-linked myotubular myopathy. Last evaluated: 2025-10-29. Review status: criteria provided, single submitter. Criteria: UK Practice Guidelines For Variant Classification V4 01 2020. Collection method: clinical testing. Allele origin: germline. Inheritance: X-linked dominant inheritance. Affected: yes. Observed: 1 variant allele.
Comment: ACMG Criteria: PM5,PP3_MOD,PM2_SUP,PP2